The following is an entry in ClinVar:

NM_000036.3(AMPD1):c.103C>T (p.Arg35Cys)

Gene: AMPD1 (adenosine monophosphate deaminase 1; minus strand). Cytogenetic location: 1p13.2.
Variant type: single nucleotide variant.
Coding change: c.103C>T on transcript NM_000036.3 (MANE Select); coding-DNA position 103, C replaced by T.
Protein change: p.Arg35Cys; replaces arginine 35 with cysteine.
Molecular consequence: missense variant.
Genome position (GRCh38, 1-based): chr1:114,688,673, G>A on the plus strand (C>T on the coding strand, the complement: AMPD1 is on the minus strand). VCF-style: chr1-114688673-G-A. GRCh37 (hg19) VCF-style: chr1-115231294-G-A.
Other names: c.91C>T, p.Arg31Cys (NM_001172626.2); short protein forms R31C, R35C.
Identifiers: ClinVar variation 1420603 (VCV001420603.4), dbSNP rs139512772, ClinGen allele CA1020559.

ClinVar aggregate classification (germline): Uncertain significance (1 of 4 stars; one submission).

Conditions:
Muscle AMP deaminase deficiency (MMDD). Also called: ADENOSINE MONOPHOSPHATE DEAMINASE-1 DEFICIENCY, MYOPATHY DUE TO; AMPD1 DEFICIENCY; Myoadenylate deaminase deficiency, myopathy due to; Adenosine monophosphate deaminase 1 deficiency; AMP deaminase 1 deficiency; Adenosine Monophosphate Deaminase 1. Identifiers: Orphanet 45, MedGen C3714933, MONDO:0014220, OMIM 615511.

Allele frequency attached by ClinVar (database versions not stated): gnomAD 0.00004; gnomAD exomes 0.00004 and 0.00006; ExAC 0.00005; TOPMed 0.00005; ESP Exome Variant Server 0.00023.
gnomAD v4.1: 62 of 1,614,036 alleles (0.0038%); highest among the groups gnomAD compares: Middle Eastern, 0.016%; no homozygotes.

Submission:

Labcorp Genetics (formerly Invitae), Labcorp
Classification: Uncertain significance for Muscle AMP deaminase deficiency. Last evaluated: 2022-07-30. Review status: criteria provided, single submitter. Criteria: Invitae Variant Classification Sherloc (09022015). Collection method: clinical testing. Allele origin: germline.
Comment: Algorithms developed to predict the effect of missense changes on protein structure and function are either unavailable or do not agree on the potential impact of this missense change (SIFT: "Deleterious"; PolyPhen-2: "Possibly Damaging"; Align-GVGD: "Class C0"). In summary, the available evidence is currently insufficient to determine the role of this variant in disease. Therefore, it has been classified as a Variant of Uncertain Significance. ClinVar contains an entry for this variant (Variation ID: 1420603). This variant has not been reported in the literature in individuals affected with AMPD1-related conditions. This variant is present in population databases (rs139512772, gnomAD 0.01%). This sequence change replaces arginine, which is basic and polar, with cysteine, which is neutral and slightly polar, at codon 68 of the AMPD1 protein (p.Arg68Cys).